The following is an entry in ClinVar:

ClinVar aggregate classification (germline): Benign. Review status: criteria provided, multiple submitters, no conflicts (2 of 4 stars). 3 submissions from 3 submitters: Benign (2). 1 of the submissions does not count toward it. Last evaluated 2025-02-16.

Conditions:
KCNN2-related disorder. Also called: KCNN2-Related Disorders; KCNN2-related condition.

Submissions (3):

Laboratory of Genetics, Children's Clinical University Hospital Latvia
Classification: Benign. Last evaluated: 2025-02-16. Review status: criteria provided, single submitter. Criteria: ACMG Guidelines, 2015. Collection method: clinical testing. Allele origin: germline. Affected: yes.

Labcorp Genetics (formerly Invitae), Labcorp
Classification: Benign. Last evaluated: 2019-09-12. Review status: criteria provided, single submitter. Criteria: Invitae Variant Classification Sherloc (09022015). Collection method: clinical testing. Allele origin: germline.

PreventionGenetics, part of Exact Sciences
Classification: Benign for KCNN2-related condition. Last evaluated: 2024-05-07. Review status: no assertion criteria provided. Collection method: clinical testing. Allele origin: germline. Not counted in ClinVar's aggregate classification.
Comment: This variant is classified as benign based on ACMG/AMP sequence variant interpretation guidelines (Richards et al. 2015 PMID: 25741868, with internal and published modifications).

NM_021614.4(KCNN2):c.798CGC[5] (p.Ala270dup)

Gene: KCNN2 (potassium calcium-activated channel subfamily N member 2; plus strand). Cytogenetic location: 5q22.3.
Variant type: Microsatellite.
Coding change: c.798CGC[5] on transcript NM_021614.4 (MANE Select); five copies in a row of the 3-base unit CGC starting at c.798; the reference has four copies in a row; one copy, 3 bases duplicated.
Protein change: p.Ala270dup; duplicates alanine 270.
Molecular consequence: inframe insertion.
Genome position (GRCh38, 1-based): chr5:114,362,946-114,362,948, CGC duplicated; duplicating any 3 consecutive bases within chr5:114,362,935-114,362,948 gives the same sequence; the position shown is the placement nearest the transcript's 3' end. VCF-style (leftmost placement, unchanged base first): chr5-114362934-T-TGCC. GRCh37 (hg19) VCF-style: chr5-113698631-T-TGCC.
Other names: c.996CGC[5], p.Ala336dup (NM_001372233.1); c.171_173dup (NM_021614.3).
Identifiers: ClinVar variation 769655 (VCV000769655.6), dbSNP rs111266015, ClinGen allele CA3372790.